The following is an entry in ClinVar:

ClinVar aggregate classification (germline): Uncertain significance (1 of 4 stars; one submission).

Submission:

Labcorp Genetics (formerly Invitae), Labcorp
Classification: Uncertain significance. Last evaluated: 2021-05-19. Review status: criteria provided, single submitter. Criteria: Invitae Variant Classification Sherloc (09022015). Collection method: clinical testing. Allele origin: germline.
Comment: In summary, the available evidence is currently insufficient to determine the role of this variant in disease. Therefore, it has been classified as a Variant of Uncertain Significance. Algorithms developed to predict the effect of missense changes on protein structure and function are either unavailable or do not agree on the potential impact of this missense change (SIFT: "Tolerated"; PolyPhen-2: "Possibly Damaging"; Align-GVGD: "Class C0"). This variant has not been reported in the literature in individuals with LRRK1-related conditions. This variant is not present in population databases (ExAC no frequency). This sequence change replaces leucine with phenylalanine at codon 159 of the LRRK1 protein (p.Leu159Phe). The leucine residue is weakly conserved and there is a small physicochemical difference between leucine and phenylalanine.

NM_024652.6(LRRK1):c.477G>C (p.Leu159Phe)

Gene: LRRK1 (leucine rich repeat kinase 1; plus strand). Cytogenetic location: 15q26.3.
Variant type: single nucleotide variant.
Coding change: c.477G>C on transcript NM_024652.6 (MANE Select); coding-DNA position 477, G replaced by C.
Protein change: p.Leu159Phe; replaces leucine 159 with phenylalanine.
Molecular consequence: missense variant.
Genome position (GRCh38, 1-based): chr15:100,988,677, G>C. VCF-style: chr15-100988677-G-C. GRCh37 (hg19) VCF-style: chr15-101528882-G-C.
Other names: short protein forms L159F.
Identifiers: ClinVar variation 1396597 (VCV001396597.8), dbSNP rs2141669802, ClinGen allele CA393951808.